The following is an entry in ClinVar:

NC_000002.11:g.(?_62080984)_(62081288_?)del

Gene: FAM161A (FAM161 centrosomal protein A; minus strand). Cytogenetic location: 2p15.
Variant type: Deletion.
Identifiers: ClinVar variation 1452882 (VCV001452882.4).

ClinVar aggregate classification (germline): Pathogenic (1 of 4 stars; one submission).

Submission:

Labcorp Genetics (formerly Invitae), Labcorp
Classification: Pathogenic. Last evaluated: 2022-08-30. Review status: criteria provided, single submitter. Criteria: Invitae Variant Classification Sherloc (09022015). Collection method: clinical testing. Allele origin: germline.
Comment: This variant is a gross deletion of the genomic region encompassing exon(s) 1 of the FAM161A gene, which includes the initiator codon. This deletion extends beyond the assayed region for this gene and therefore may encompass additional genes. It is expected to result in an absent or disrupted protein product. Loss-of-function variants in FAM161A are known to be pathogenic (PMID: 20705278, 20705279, 24651477). This variant has not been reported in the literature in individuals affected with FAM161A-related conditions. For these reasons, this variant has been classified as Pathogenic.

Literature cited by the submitters: PubMed 20705278; PubMed 20705279; PubMed 24651477.